The following is an entry in ClinVar:

ClinVar aggregate classification (germline): Uncertain significance. Review status: criteria provided, multiple submitters, no conflicts (2 of 4 stars). 2 submissions from 2 submitters: Uncertain significance (2). Last evaluated 2025-04-17.

Conditions:
Progressive myoclonic epilepsy. Also called: Myoclonus epilepsy; Familial progressive myoclonic epilepsy; Myoclonic Epilepsies, Progressive; Progressive myoclonus epilepsy. Identifiers: Orphanet 308, Orphanet 98261, MedGen C0751778, MONDO:0020074.
Progressive myoclonic epilepsy type 5. Identifiers: Orphanet 402082, MedGen C5190799.

Allele frequency attached by ClinVar (database versions not stated): gnomAD 0.00001; TOPMed 0.00001; ExAC 0.00002; gnomAD exomes 0.00002 and 0.00004.
gnomAD v4.1: 56 of 1,610,544 alleles (0.0035%); highest among the groups gnomAD compares: South Asian, 0.0044%; no homozygotes.

Submissions (2):

Labcorp Genetics (formerly Invitae), Labcorp
Classification: Uncertain significance for Progressive myoclonic epilepsy type 5. Last evaluated: 2025-04-17. Review status: criteria provided, single submitter. Criteria: Invitae Variant Classification Sherloc (09022015). Collection method: clinical testing. Allele origin: germline.
Comment: This sequence change replaces histidine, which is basic and polar, with arginine, which is basic and polar, at codon 738 of the PRICKLE2 protein (p.His738Arg). This variant is present in population databases (rs766757910, gnomAD 0.008%). This variant has not been reported in the literature in individuals affected with PRICKLE2-related conditions. ClinVar contains an entry for this variant (Variation ID: 902796). Invitae Evidence Modeling of protein sequence and biophysical properties (such as structural, functional, and spatial information, amino acid conservation, physicochemical variation, residue mobility, and thermodynamic stability) indicates that this missense variant is not expected to disrupt PRICKLE2 protein function with a negative predictive value of 80%. In summary, the available evidence is currently insufficient to determine the role of this variant in disease. Therefore, it has been classified as a Variant of Uncertain Significance.

Illumina Laboratory Services, Illumina
Classification: Uncertain significance for Progressive myoclonic epilepsy. Last evaluated: 2018-01-12. Review status: criteria provided, single submitter. Criteria: ICSL Variant Classification Criteria 13 December 2019. Collection method: clinical testing. Allele origin: germline.

NM_198859.4(PRICKLE2):c.2213A>G (p.His738Arg)

Genes: PRICKLE2 (prickle planar cell polarity protein 2; minus strand), PRICKLE2-AS1 (PRICKLE2 antisense RNA 1; plus strand). Cytogenetic location: 3p14.1.
Variant type: single nucleotide variant.
Coding change: c.2213A>G on transcript NM_198859.4 (MANE Select); coding-DNA position 2213, A replaced by G.
Protein change: p.His738Arg; replaces histidine 738 with arginine.
Molecular consequence: missense variant. On other transcripts: non-coding transcript variant (1).
Genome position (GRCh38, 1-based): chr3:64,099,373, T>C on the plus strand (A>G on the coding strand, the complement: PRICKLE2 is on the minus strand). VCF-style: chr3-64099373-T-C. GRCh37 (hg19) VCF-style: chr3-64085049-T-C.
Other names: c.2213A>G, p.His738Arg (NM_001370528.1); short protein forms H738R.
Identifiers: ClinVar variation 902796 (VCV000902796.7), dbSNP rs766757910, ClinGen allele CA2479475.